The following is an entry in ClinVar:

ClinVar aggregate classification (germline): Pathogenic (1 of 4 stars; one submission).

Conditions:
Hereditary cancer-predisposing syndrome. Also called: Neoplastic Syndromes, Hereditary; Hereditary Cancer Syndrome; Hereditary neoplastic syndrome; Tumor predisposition. Identifiers: Orphanet 140162, MedGen C0027672, MeSH D009386, MONDO:0015356.

Submission:

Ambry Genetics
Classification: Pathogenic for Hereditary cancer-predisposing syndrome. Last evaluated: 2023-03-27. Review status: criteria provided, single submitter. Criteria: Ambry Variant Classification Scheme 2023. Collection method: clinical testing. Allele origin: germline.
Comment: The c.2745_2751dupTAATATC pathogenic mutation, located in coding exon 9 of the BRCA1 gene, results from a duplication of TAATATC at nucleotide position 2745, causing a translational frameshift with a predicted alternate stop codon (p.K918*). This alteration is expected to result in loss of function by premature protein truncation or nonsense-mediated mRNA decay. This variant is considered to be rare based on population cohorts in the Genome Aggregation Database (gnomAD). As such, this alteration is interpreted as a disease-causing mutation.

NM_007294.4(BRCA1):c.2745_2751dup (p.Lys918Ter)

Gene: BRCA1 (BRCA1 DNA repair associated; minus strand). Cytogenetic location: 17q21.31.
Variant type: Duplication.
Coding change: c.2745_2751dup on transcript NM_007294.4 (MANE Select); coding-DNA positions 2745 to 2751, 7 bases duplicated (TAATATC; older notation c.2745_2751dupTAATATC).
Protein change: p.Lys918Ter; replaces lysine 918 with a stop codon.
Molecular consequence: nonsense. On other transcripts: intron variant (137), frameshift variant (1).
Genome position (GRCh38, 1-based): chr17:43,092,780-43,092,786, GATATTA duplicated on the plus strand (TAATATC on the coding strand, the reverse complement: BRCA1 is on the minus strand); duplicating any 7 consecutive bases within chr17:43,092,780-43,092,788 gives the same sequence; the c. name uses the placement nearest the transcript's 3' end. VCF-style (leftmost placement, unchanged base first): chr17-43092779-T-TGATATTA. GRCh37 (hg19) VCF-style: chr17-41244796-T-TGATATTA.
Other names: c.788-1754_788-1748dup (NM_001407983.1, NM_001407975.1, NM_001407971.1 and 17 more transcripts); c.647-1754_647-1748dup (NM_001408456.1, NM_001408458.1, NM_001408469.1 and 11 more transcripts); c.791-1763_791-1757dup (NM_001408406.1); c.644-1754_644-1748dup (NM_001408465.1, NM_001408463.1, NM_001408470.1 and 3 more transcripts); c.578-1754_578-1748dup (NM_001408482.1, NM_001408481.1, NM_001408480.1 and 9 more transcripts); c.521-1754_521-1748dup (NM_001408504.1, NM_001408503.1, NM_001408505.1); c.524-1754_524-1748dup (NM_001408499.1, NM_001408498.1, NM_001408501.1 and 3 more transcripts); c.671-1754_671-1748dup (NM_001408422.1, NM_001408423.1, NM_001408420.1 and 2 more transcripts); and 42 more; short protein forms K750*, K790*, K806*, K829*, K870*, K891*, K622*, K791*.
Identifiers: ClinVar variation 2565330 (VCV002565330.2), dbSNP rs2552184147, ClinGen allele CA2580612670.
Genomic context (GRCh38, chr17:43,092,779, plus strand): 5'-GCTTATCTTTCTGACCAACCACAGGAAAGCCTGCAGTGATATTAACTGTCTGTACAGGCT[T>TGATATTA]GATATTAGACTCATTCTTTCCTTGATTTTCTTCCTTTTGTTCACATTCAAAAGTGACTTT-3'